The following is an entry in ClinVar:

NM_001029883.3(PCARE):c.*2525G>A

Gene: PCARE (photoreceptor cilium actin regulator; minus strand). Cytogenetic location: 2p23.2.
Variant type: single nucleotide variant.
Coding change: c.*2525G>A on transcript NM_001029883.3 (MANE Select); 2525 bases downstream of the stop codon, G replaced by A.
Molecular consequence: 3 prime UTR variant.
Genome position (GRCh38, 1-based): chr2:29,062,344, C>T on the plus strand (G>A on the coding strand, the complement: PCARE is on the minus strand). VCF-style: chr2-29062344-C-T. GRCh37 (hg19) VCF-style: chr2-29285210-C-T.
Identifiers: ClinVar variation 335583 (VCV000335583.6), dbSNP rs7607027, ClinGen allele CA10615179.

ClinVar aggregate classification (germline): Benign. Review status: criteria provided, multiple submitters, no conflicts (2 of 4 stars). 2 submissions from 2 submitters: Benign (2). Last evaluated 2018-01-12.

Conditions:
Retinitis pigmentosa (RP). Identifiers: Orphanet 791, MedGen C0035334, MeSH D012174, MONDO:0019200, OMIM 268000. Inheritance: Autosomal dominant, autosomal recessive and X linked inheritance.

Allele frequency attached by ClinVar (database versions not stated): gnomAD exomes 0.47826; gnomAD 0.48359 and 0.48581; TOPMed 0.48791; 1000 Genomes Project 30x 0.50812; 1000 Genomes Project 0.50978.
gnomAD v4.1: 74,211 of 152,140 alleles (49%); highest among the groups gnomAD compares: East Asian, 76%; 18,609 homozygotes.

Submissions (2):

Illumina Laboratory Services, Illumina
Classification: Benign for Retinitis pigmentosa. Last evaluated: 2018-01-12. Review status: criteria provided, single submitter. Criteria: ICSL Variant Classification Criteria 13 December 2019. Collection method: clinical testing. Allele origin: germline.
Comment: This variant was observed in the ICSL laboratory as part of a predisposition screen in an ostensibly healthy population. It had not been previously curated by ICSL or reported in the Human Gene Mutation Database (HGMD: prior to June 1st, 2018), and was therefore a candidate for classification through an automated scoring system. Utilizing variant allele frequency, disease prevalence and penetrance estimates, and inheritance mode, an automated score was calculated to assess if this variant is too frequent to cause the disease. Based on the score and internal cut-off values, a variant classified as benign is not then subjected to further curation. The score for this variant resulted in a classification of benign for this disease.

Breakthrough Genomics
Classification: Benign. Review status: criteria provided, single submitter. Criteria: ACMG Guidelines, 2015. Collection method: not provided. Allele origin: germline. Inheritance: Unknown mechanism. Affected: yes.